The following is an entry in ClinVar:

ClinVar aggregate classification (germline): Uncertain significance. Review status: criteria provided, multiple submitters, no conflicts (2 of 4 stars). 4 submissions from 4 submitters: Uncertain significance (4). Last evaluated 2023-10-01.

Conditions:
Retinal dystrophy. Also called: Inherited retinal dystrophy. Identifiers: Orphanet 71862, MedGen C0854723, MeSH D058499, MONDO:0019118, HP:0000556.
Inborn genetic diseases. Identifiers: MedGen C0950123, MeSH D030342.

Allele frequency attached by ClinVar (database versions not stated): gnomAD 0.00002 and 0.00003; TOPMed 0.00003.
gnomAD v4.1: 11 of 1,613,938 alleles (0.00068%); highest among the groups gnomAD compares: East Asian, 0.018%; no homozygotes.

Submissions (4):

Dept Of Ophthalmology, Nagoya University
Classification: Uncertain significance for Retinal dystrophy. Last evaluated: 2023-10-01. Review status: criteria provided, single submitter. Criteria: Submitter's publication. Collection method: research. Allele origin: germline. Affected: yes.

Labcorp Genetics (formerly Invitae), Labcorp
Classification: Uncertain significance. Last evaluated: 2023-09-25. Review status: criteria provided, single submitter. Criteria: Invitae Variant Classification Sherloc (09022015). Collection method: clinical testing. Allele origin: germline.
Comment: This sequence change replaces asparagine, which is neutral and polar, with isoleucine, which is neutral and non-polar, at codon 845 of the PDE6A protein (p.Asn845Ile). This variant is present in population databases (rs765192034, gnomAD 0.01%). This variant has not been reported in the literature in individuals affected with PDE6A-related conditions. ClinVar contains an entry for this variant (Variation ID: 1400120). An algorithm developed to predict the effect of missense changes on protein structure and function (PolyPhen-2) suggests that this variant is likely to be tolerated. In summary, the available evidence is currently insufficient to determine the role of this variant in disease. Therefore, it has been classified as a Variant of Uncertain Significance.

Ambry Genetics
Classification: Uncertain significance for Inborn genetic diseases. Last evaluated: 2023-02-16. Review status: criteria provided, single submitter. Criteria: Ambry Variant Classification Scheme 2023. Collection method: clinical testing. Allele origin: germline.

Blueprint Genetics
Classification: Uncertain significance. Last evaluated: 2022-04-27. Review status: criteria provided, single submitter. Criteria: ACMG Guidelines, 2015. Collection method: clinical testing. Allele origin: germline.

NM_000440.3(PDE6A):c.2534A>T (p.Asn845Ile)

Gene: PDE6A (phosphodiesterase 6A; minus strand). Cytogenetic location: 5q32.
Variant type: single nucleotide variant.
Coding change: c.2534A>T on transcript NM_000440.3 (MANE Select); coding-DNA position 2534, A replaced by T.
Protein change: p.Asn845Ile; replaces asparagine 845 with isoleucine.
Molecular consequence: missense variant.
Genome position (GRCh38, 1-based): chr5:149,860,944, T>A on the plus strand (A>T on the coding strand, the complement: PDE6A is on the minus strand). VCF-style: chr5-149860944-T-A. GRCh37 (hg19) VCF-style: chr5-149240507-T-A.
Other names: c.2534A>T (NM_000440.2); short protein forms N845I.
Identifiers: ClinVar variation 1400120 (VCV001400120.9), dbSNP rs765192034, ClinGen allele CA3504236.